The following is an entry in ClinVar:

ClinVar aggregate classification (germline): Uncertain significance (1 of 4 stars; one submission).

Submission:

Labcorp Genetics (formerly Invitae), Labcorp
Classification: Uncertain significance. Last evaluated: 2024-08-09. Review status: criteria provided, single submitter. Criteria: Invitae Variant Classification Sherloc (09022015). Collection method: clinical testing. Allele origin: germline.
Comment: This sequence change replaces aspartic acid, which is acidic and polar, with histidine, which is basic and polar, at codon 1285 of the C3 protein (p.Asp1285His). This variant is not present in population databases (gnomAD no frequency). This variant has not been reported in the literature in individuals affected with C3-related conditions. ClinVar contains an entry for this variant (Variation ID: 1506284). Advanced modeling of protein sequence and biophysical properties (such as structural, functional, and spatial information, amino acid conservation, physicochemical variation, residue mobility, and thermodynamic stability) performed at Invitae indicates that this missense variant is not expected to disrupt C3 protein function with a negative predictive value of 80%. In summary, the available evidence is currently insufficient to determine the role of this variant in disease. Therefore, it has been classified as a Variant of Uncertain Significance.

NM_000064.4(C3):c.3853G>C (p.Asp1285His)

Gene: C3 (complement C3; minus strand). Cytogenetic location: 19p13.3.
Variant type: single nucleotide variant.
Coding change: c.3853G>C on transcript NM_000064.4 (MANE Select); coding-DNA position 3853, G replaced by C.
Protein change: p.Asp1285His; replaces aspartic acid 1285 with histidine.
Molecular consequence: missense variant.
Genome position (GRCh38, 1-based): chr19:6,685,104, C>G on the plus strand (G>C on the coding strand, the complement: C3 is on the minus strand). VCF-style: chr19-6685104-C-G. GRCh37 (hg19) VCF-style: chr19-6685115-C-G.
Other names: short protein forms D1285H.
Identifiers: ClinVar variation 1506284 (VCV001506284.8), dbSNP rs1917968941, ClinGen allele CA403618508.